The following is an entry in ClinVar:

ClinVar aggregate classification (germline): Uncertain significance (1 of 4 stars; one submission).

Submission:

Women's Health and Genetics/Laboratory Corporation of America, LabCorp
Classification: Uncertain significance. Last evaluated: 2019-09-17. Review status: criteria provided, single submitter. Criteria: LabCorp Variant Classification Summary - May 2015. Collection method: clinical testing. Allele origin: germline.
Comment: Variant summary: NOG c.509C>G (p.Pro170Arg) results in a non-conservative amino acid change in the encoded protein sequence. Five of five in-silico tools predict a damaging effect of the variant on protein function. The variant was absent in 249416 control chromosomes (gnomAD). The available data on variant occurrences in the general population are insufficient to allow any conclusion about variant significance. To our knowledge, no occurrence of c.509C>G in individuals affected with Symphalangism-brachydactyly syndrome and no experimental evidence demonstrating an impact on protein function have been reported. No clinical diagnostic laboratories have submitted clinical-significance assessments for this variant to ClinVar after 2014. Based on the evidence outlined above, the variant was classified as uncertain significance.

NM_005450.6(NOG):c.509C>G (p.Pro170Arg)

Gene: NOG (noggin; plus strand). Cytogenetic location: 17q22.
Variant type: single nucleotide variant.
Coding change: c.509C>G on transcript NM_005450.6 (MANE Select); coding-DNA position 509, C replaced by G.
Protein change: p.Pro170Arg; replaces proline 170 with arginine.
Molecular consequence: missense variant.
Genome position (GRCh38, 1-based): chr17:56,594,732, C>G. VCF-style: chr17-56594732-C-G. GRCh37 (hg19) VCF-style: chr17-54672093-C-G.
Other names: short protein forms P170R.
Identifiers: ClinVar variation 928606 (VCV000928606.1), dbSNP rs2052471344, ClinGen allele CA399966459.